The following is an entry in ClinVar:

NM_004168.4(SDHA):c.670C>A (p.Leu224Ile)

Gene: SDHA (succinate dehydrogenase complex flavoprotein subunit A; plus strand). Cytogenetic location: 5p15.33.
Variant type: single nucleotide variant.
Coding change: c.670C>A on transcript NM_004168.4 (MANE Select); coding-DNA position 670, C replaced by A.
Protein change: p.Leu224Ile; replaces leucine 224 with isoleucine.
Molecular consequence: missense variant.
Genome position (GRCh38, 1-based): chr5:228,233, C>A. VCF-style: chr5-228233-C-A. GRCh37 (hg19) VCF-style: chr5-228348-C-A.
Other names: c.526C>A, p.Leu176Ile (NM_001294332.2); c.670C>A, p.Leu224Ile (NM_001330758.2); short protein forms L176I, L224I.
Identifiers: ClinVar variation 3750461 (VCV003750461.2).
Genomic context (GRCh38, chr5:228,233, plus strand): 5'-CCTTTCTTTTAGTCTCTGCGATATGATACCAGCTATTTTGTGGAGTATTTTGCCTTGGAT[C>A]TCCTGATGGAGAATGGGGAGTGCCGTGGTGTCATCGCACTGTGCATAGAGGACGGGTCCA-3'
Protein context (NP_004159.2, residues 214-234): SYFVEYFALD[Leu224Ile]LMENGECRGV

ClinVar aggregate classification (germline): Uncertain significance (1 of 4 stars; one submission).

Conditions:
Mitochondrial complex II deficiency, nuclear type 1. Also called: SUCCINATE CoQ REDUCTASE DEFICIENCY. Identifiers: Orphanet 3208, MedGen C5700310, MONDO:0100294, OMIM 252011.
Pheochromocytoma/paraganglioma syndrome 5. Also called: Paragangliomas 5; SDHA-Related Hereditary Paraganglioma-Pheochromocytoma Syndrome. Identifiers: Orphanet 29072, MedGen C3279992, MONDO:0013602, OMIM 614165.

Submission:

Labcorp Genetics (formerly Invitae), Labcorp
Classification: Uncertain significance for Pheochromocytoma/paraganglioma syndrome 5; Mitochondrial complex II deficiency, nuclear type 1. Last evaluated: 2024-07-19. Review status: criteria provided, single submitter. Criteria: Invitae Variant Classification Sherloc (09022015). Collection method: clinical testing. Allele origin: germline.
Comment: This sequence change replaces leucine, which is neutral and non-polar, with isoleucine, which is neutral and non-polar, at codon 224 of the SDHA protein (p.Leu224Ile). This variant is not present in population databases (gnomAD no frequency). This variant has not been reported in the literature in individuals affected with SDHA-related conditions. Advanced modeling of protein sequence and biophysical properties (such as structural, functional, and spatial information, amino acid conservation, physicochemical variation, residue mobility, and thermodynamic stability) has been performed at Invitae for this missense variant, however the output from this modeling did not meet the statistical confidence thresholds required to predict the impact of this variant on SDHA protein function. In summary, the available evidence is currently insufficient to determine the role of this variant in disease. Therefore, it has been classified as a Variant of Uncertain Significance.